The following is an entry in ClinVar:

NM_000158.4(GBE1):c.626A>G (p.His209Arg)

Gene: GBE1 (1,4-alpha-glucan branching enzyme 1; minus strand). Cytogenetic location: 3p12.2.
Variant type: single nucleotide variant.
Coding change: c.626A>G on transcript NM_000158.4 (MANE Select); coding-DNA position 626, A replaced by G.
Protein change: p.His209Arg; replaces histidine 209 with arginine.
Molecular consequence: missense variant.
Genome position (GRCh38, 1-based): chr3:81,648,921, T>C on the plus strand (A>G on the coding strand, the complement: GBE1 is on the minus strand). VCF-style: chr3-81648921-T-C. GRCh37 (hg19) VCF-style: chr3-81698072-T-C.
Other names: c.626A>G (NM_000158.3); short protein forms H209R.
Identifiers: ClinVar variation 1403785 (VCV001403785.5), dbSNP rs542346749, ClinGen allele CA2499906.

ClinVar aggregate classification (germline): Uncertain significance. Review status: criteria provided, multiple submitters, no conflicts (2 of 4 stars). 2 submissions from 2 submitters: Uncertain significance (2). Last evaluated 2025-08-20.

Conditions:
Glycogen storage disease, type IV (GSD4). Also called: Glycogen storage disease due to glycogen branching enzyme deficiency; AMYLOPECTINOSIS; ANDERSEN DISEASE; BRANCHER DEFICIENCY; CIRRHOSIS, FAMILIAL, WITH DEPOSITION OF ABNORMAL GLYCOGEN; GBE1 DEFICIENCY. Identifiers: OMIM 232500, Orphanet 367, MedGen C0017923, MONDO:0009292.
Glycogen storage disease IV, classic hepatic. Also called: GSD IV, CLASSIC HEPATIC. Identifiers: MedGen C1856301.
Inborn genetic diseases. Identifiers: MedGen C0950123, MeSH D030342.

Allele frequency attached by ClinVar (database versions not stated): ExAC 0.00004; gnomAD 0.00004; gnomAD exomes 0.00005 and 0.00009; TOPMed 0.00005.
gnomAD v4.1: 137 of 1,585,956 alleles (0.0086%); highest among the groups gnomAD compares: Non-Finnish European, 0.011%; no homozygotes.

Submissions (2):

Ambry Genetics
Classification: Uncertain significance for Inborn genetic diseases. Last evaluated: 2025-08-20. Review status: criteria provided, single submitter. Criteria: Ambry Variant Classification Scheme 2023. Collection method: clinical testing. Allele origin: germline.

Labcorp Genetics (formerly Invitae), Labcorp
Classification: Uncertain significance for Glycogen storage disease, type IV; Glycogen storage disease IV, classic hepatic. Last evaluated: 2022-05-29. Review status: criteria provided, single submitter. Criteria: Invitae Variant Classification Sherloc (09022015). Collection method: clinical testing. Allele origin: germline.
Comment: This sequence change replaces histidine, which is basic and polar, with arginine, which is basic and polar, at codon 209 of the GBE1 protein (p.His209Arg). This variant is present in population databases (rs542346749, gnomAD 0.009%). This variant has not been reported in the literature in individuals affected with GBE1-related conditions. ClinVar contains an entry for this variant (Variation ID: 1403785). Advanced modeling of protein sequence and biophysical properties (such as structural, functional, and spatial information, amino acid conservation, physicochemical variation, residue mobility, and thermodynamic stability) performed at Invitae indicates that this missense variant is not expected to disrupt GBE1 protein function. In summary, the available evidence is currently insufficient to determine the role of this variant in disease. Therefore, it has been classified as a Variant of Uncertain Significance.